The following is an entry in ClinVar:

NM_000218.3(KCNQ1):c.1394-20249C>T

Genes: KCNQ1 (potassium voltage-gated channel subfamily Q member 1; plus strand), KCNQ1OT1 (KCNQ1 opposite strand/antisense transcript 1; minus strand). Cytogenetic location: 11p15.5.
Variant type: single nucleotide variant.
Coding change: c.1394-20249C>T on transcript NM_000218.3 (MANE Select); 20249 bases into the intron before coding-DNA position 1394, C replaced by T.
Molecular consequence: intron variant. On other transcripts: non-coding transcript variant (1).
Genome position (GRCh38, 1-based): chr11:2,641,712, C>T. VCF-style: chr11-2641712-C-T. GRCh37 (hg19) VCF-style: chr11-2662942-C-T.
Other names: c.1124-20249C>T (NM_001406837.1); c.1298-20249C>T (NM_001406836.1); c.854-20249C>T (NM_001406838.1); c.1013-20249C>T (NM_181798.2).
Identifiers: ClinVar variation 3250952 (VCV003250952.18), dbSNP rs192078954.

ClinVar aggregate classification (germline): Likely benign (1 of 4 stars; one submission).

Allele frequency attached by ClinVar (database versions not stated): gnomAD exomes 0.00035; gnomAD 0.00243; TOPMed 0.00319; 1000 Genomes Project 0.00419; 1000 Genomes Project 30x 0.00422.
gnomAD v4.1: 463 of 398,394 alleles (0.12%); highest among the groups gnomAD compares: African/African-American, 0.88%; 2 homozygotes.

Submission:

CeGaT Center for Human Genetics Tuebingen
Classification: Likely benign. Last evaluated: 2024-06-01. Review status: criteria provided, single submitter. Criteria: CeGaT Center For Human Genetics Tuebingen Variant Classification Criteria Version 2. Collection method: clinical testing. Allele origin: germline. Affected: yes. Observed: 1 variant allele.
Comment: KCNQ1OT1: BS1